The following is an entry in ClinVar:

NM_000057.4(BLM):c.1087+2T>C

Gene: BLM (BLM RecQ like helicase; plus strand). Cytogenetic location: 15q26.1.
Variant type: single nucleotide variant.
Coding change: c.1087+2T>C on transcript NM_000057.4 (MANE Select); the canonical splice donor site of the intron after coding-DNA position 1087, T replaced by C.
Molecular consequence: splice donor variant.
Genome position (GRCh38, 1-based): chr15:90,754,940, T>C. VCF-style: chr15-90754940-T-C. GRCh37 (hg19) VCF-style: chr15-91298170-T-C.
Other names: c.1087+2T>C (NM_000057.3, NM_001287246.2, NM_001287247.2); c.-205+2T>C (NM_001287248.2).
Identifiers: ClinVar variation 2898306 (VCV002898306.6), dbSNP rs2505407634, ClinGen allele CA393842273.
Genomic context (GRCh38, chr15:90,754,940, plus strand): 5'-AAAACCTGAGAAAATGAGTATGCAGGAGCTGAATCCAGAAACCAGCACAGACTGTGACGG[T>C]ACAAGCAATATTTTAGACATACCATGTATTTCAACTACTTACTTTTGAAAACAACGTAAC-3'

ClinVar aggregate classification (germline): Conflicting classifications of pathogenicity. Review status: criteria provided, conflicting classifications (1 of 4 stars). 3 submissions from 3 submitters: Likely pathogenic (2); Uncertain significance (1). Last evaluated 2025-12-10.

Conditions:
Bloom syndrome (BLM). Also called: Bloom-Torre-Machacek syndrome. Identifiers: Orphanet 125, MedGen C0005859, MONDO:0008876, OMIM 210900.

Submissions (3):

Myriad Genetics, Inc.
Classification: Likely pathogenic for Bloom syndrome. Last evaluated: 2025-12-10. Review status: criteria provided, single submitter. Criteria: Myriad Autosomal Dominant, Autosomal Recessive and X-Linked Classification Criteria (2023). Collection method: clinical testing. Allele origin: unknown.
Comment: This variant is considered likely pathogenic. This variant occurs within a consensus splice junction and is predicted to result in abnormal mRNA splicing of either an out-of-frame exon or an in-frame exon necessary for protein stability and/or normal function.

Labcorp Genetics (formerly Invitae), Labcorp
Classification: Uncertain significance for Bloom syndrome. Last evaluated: 2025-06-05. Review status: criteria provided, single submitter. Criteria: Invitae Variant Classification Sherloc (09022015). Collection method: clinical testing. Allele origin: germline.
Comment: This sequence change affects a donor splice site in intron 5 of the BLM gene. It is expected to disrupt RNA splicing. Variants that disrupt the donor or acceptor splice site typically lead to a loss of protein function (PMID: 16199547), and loss-of-function variants in BLM are known to be pathogenic (PMID: 17407155). This variant is not present in population databases (gnomAD no frequency). This variant has not been reported in the literature in individuals affected with BLM-related conditions. ClinVar contains an entry for this variant (Variation ID: 2898306). Studies have shown that disruption of this splice site is associated with altered splicing resulting in multiple RNA products including both in-frame and out-of-frame transcripts (internal data). In summary, the available evidence is currently insufficient to determine the role of this variant in disease. Therefore, it has been classified as a Variant of Uncertain Significance.

Natera, Inc.
Classification: Likely pathogenic for Bloom syndrome. Last evaluated: 2025-04-28. Review status: criteria provided, single submitter. Criteria: Natera Variant Classification Schema (03/2026). Collection method: clinical testing. Allele origin: germline.
Comment: The c.1087+2T>C variant in BLM is a canonical splice donor site variant predicted to affect pre-mRNA splicing, which may result in an abnormal transcript and altered protein product. This variant is expected to result in nonsense mediated decay, truncation, or a dysfunctional protein product. This variant is rare in the general population with a frequency below the threshold expected for the associated phenotype(s). Given the available evidence, this variant is classified as Likely Pathogenic.

Literature cited by the submitters: PubMed 16199547 (cited by Labcorp Genetics (formerly Invitae), Labcorp); PubMed 17407155 (cited by Labcorp Genetics (formerly Invitae), Labcorp).